The following is an entry in ClinVar:

NM_021930.6(RINT1):c.649G>A (p.Val217Ile)

Gene: RINT1 (RAD50 interactor 1; plus strand). Cytogenetic location: 7q22.3.
Variant type: single nucleotide variant.
Coding change: c.649G>A on transcript NM_021930.6 (MANE Select); coding-DNA position 649, G replaced by A.
Protein change: p.Val217Ile; replaces valine 217 with isoleucine.
Molecular consequence: missense variant. On other transcripts: 5 prime UTR variant (2), non-coding transcript variant (1), intron variant (1).
Genome position (GRCh38, 1-based): chr7:105,547,043, G>A. VCF-style: chr7-105547043-G-A. GRCh37 (hg19) VCF-style: chr7-105187490-G-A.
Other names: c.415G>A, p.Val139Ile (NM_001346599.2); c.-371G>A (NM_001346600.2); c.-274G>A (NM_001346601.2); c.-27-3012G>A (NM_001346603.2); short protein forms V217I, V139I.
Identifiers: ClinVar variation 2625521 (VCV002625521.2), dbSNP rs878855074, ClinGen allele CA368805856.
Genomic context (GRCh38, chr7:105,547,043, plus strand): 5'-CTTGACATTAAACTTCAGGAATCATCTTGTACTCATCTTCTTGGTTTCATGAGAGCCACA[G>A]TTAAATTCTGGCATAAAATTCTCAAGGACAAGCTTACAAGGTAGGGAATTTACCCATATT-3'
Protein context (NP_068749.3, residues 207-227): THLLGFMRAT[Val217Ile]KFWHKILKDK

ClinVar aggregate classification (germline): Uncertain significance (1 of 4 stars; one submission).

Allele frequency attached by ClinVar (database versions not stated): gnomAD exomes below 0.00001.

Submission:

Ambry Genetics
Classification: Uncertain significance. Last evaluated: 2023-07-05. Review status: criteria provided, single submitter. Criteria: Ambry Variant Classification Scheme 2023. Collection method: clinical testing. Allele origin: germline.
Comment: The p.V217I variant (also known as c.649G>A), located in coding exon 5 of the RINT1 gene, results from a G to A substitution at nucleotide position 649. The valine at codon 217 is replaced by isoleucine, an amino acid with highly similar properties. This amino acid position is conserved. In addition, this alteration is predicted to be tolerated by in silico analysis. Since supporting evidence is limited at this time, the clinical significance of this alteration remains unclear.